The following is an entry in ClinVar:

ClinVar aggregate classification (germline): Uncertain significance (1 of 4 stars; one submission).

Conditions:
Glycogen storage disease IXb (GSD9B). Also called: PHOSPHORYLASE KINASE DEFICIENCY OF LIVER AND MUSCLE, AUTOSOMAL RECESSIVE; GLYCOGENOSIS OF LIVER AND MUSCLE, AUTOSOMAL RECESSIVE; GSD IXb. Identifiers: Orphanet 79240, MedGen C0543514, MONDO:0009868, OMIM 261750.

Allele frequency attached by ClinVar (database versions not stated): gnomAD exomes below 0.00001; TOPMed 0.00001; gnomAD 0.00002.
gnomAD v4.1: 8 of 1,612,890 alleles (0.0005%); highest among the groups gnomAD compares: Non-Finnish European, 0.00068%; no homozygotes.

Submission:

Labcorp Genetics (formerly Invitae), Labcorp
Classification: Uncertain significance for Glycogen storage disease IXb. Last evaluated: 2022-01-26. Review status: criteria provided, single submitter. Criteria: Invitae Variant Classification Sherloc (09022015). Collection method: clinical testing. Allele origin: germline.
Comment: This sequence change replaces proline, which is neutral and non-polar, with arginine, which is basic and polar, at codon 345 of the PHKB protein (p.Pro345Arg). This variant is present in population databases (no rsID available, gnomAD 0.0009%). This variant has not been reported in the literature in individuals affected with PHKB-related conditions. Algorithms developed to predict the effect of missense changes on protein structure and function (SIFT, PolyPhen-2, Align-GVGD) all suggest that this variant is likely to be tolerated. In summary, the available evidence is currently insufficient to determine the role of this variant in disease. Therefore, it has been classified as a Variant of Uncertain Significance.

NM_000293.3(PHKB):c.1034C>G (p.Pro345Arg)

Gene: PHKB (phosphorylase kinase regulatory subunit beta; plus strand). Cytogenetic location: 16q12.1.
Variant type: single nucleotide variant.
Coding change: c.1034C>G on transcript NM_000293.3 (MANE Select); coding-DNA position 1034, C replaced by G.
Protein change: p.Pro345Arg; replaces proline 345 with arginine.
Molecular consequence: missense variant.
Genome position (GRCh38, 1-based): chr16:47,589,068, C>G. VCF-style: chr16-47589068-C-G. GRCh37 (hg19) VCF-style: chr16-47622979-C-G.
Other names: c.1013C>G, p.Pro338Arg (NM_001031835.3); c.1034C>G, p.Pro345Arg (NM_001363837.1); short protein forms P345R, P338R.
Identifiers: ClinVar variation 1977993 (VCV001977993.2), dbSNP rs1482549781, ClinGen allele CA395796265.